The following is an entry in ClinVar:

ClinVar aggregate classification (germline): Conflicting classifications of pathogenicity. Review status: criteria provided, conflicting classifications (1 of 4 stars). 2 submissions from 2 submitters: Uncertain significance (1); Likely benign (1). Last evaluated 2024-01-08.

Conditions:
Inborn genetic diseases. Identifiers: MedGen C0950123, MeSH D030342.

Allele frequency attached by ClinVar (database versions not stated): ExAC 0.00136; gnomAD 0.00275; 1000 Genomes Project 0.00280; 1000 Genomes Project 30x 0.00312; TOPMed 0.00314.

Submissions (2):

Ambry Genetics
Classification: Uncertain significance for Inborn genetic diseases. Last evaluated: 2024-01-08. Review status: criteria provided, single submitter. Criteria: Ambry Variant Classification Scheme 2023. Collection method: clinical testing. Allele origin: germline.

CeGaT Center for Human Genetics Tuebingen
Classification: Likely benign. Last evaluated: 2023-04-01. Review status: criteria provided, single submitter. Criteria: CeGaT Center For Human Genetics Tuebingen Variant Classification Criteria Version 2. Collection method: clinical testing. Allele origin: germline. Affected: yes. Observed: 1 variant allele.
Comment: MCM9: BP4, BS2

NM_017696.3(MCM9):c.3417G>A (p.Met1139Ile)

Gene: MCM9 (minichromosome maintenance 9 homologous recombination repair factor; minus strand). Cytogenetic location: 6q22.31.
Variant type: single nucleotide variant.
Coding change: c.3417G>A on transcript NM_017696.3 (MANE Select); coding-DNA position 3417, G replaced by A.
Protein change: p.Met1139Ile; replaces methionine 1139 with isoleucine.
Molecular consequence: missense variant. On other transcripts: 3 prime UTR variant (4), non-coding transcript variant (1).
Genome position (GRCh38, 1-based): chr6:118,814,839, C>T on the plus strand (G>A on the coding strand, the complement: MCM9 is on the minus strand). VCF-style: chr6-118814839-C-T. GRCh37 (hg19) VCF-style: chr6-119136002-C-T.
Other names: c.3417G>A, p.Met1139Ile (NM_001378356.1, NM_001378357.1); c.*1324G>A (NM_001378359.1, NM_001378360.1, NM_001378366.1 and 1 more transcripts); c.3213G>A, p.Met1071Ile (NM_001378364.1); c.3417G>A (NM_017696.2); short protein forms M1071I, M1139I.
Identifiers: ClinVar variation 2656888 (VCV002656888.25), dbSNP rs144338608, ClinGen allele CA3978237.